The following is an entry in ClinVar:

NM_144573.4(NEXN):c.687+8TTTG[2]

Gene: NEXN (nexilin F-actin binding protein; plus strand). Cytogenetic location: 1p31.1.
Variant type: Microsatellite.
Coding change: c.687+8TTTG[2] on transcript NM_144573.4 (MANE Select); two copies in a row of the 4-base unit TTTG starting at c.687+8.
Molecular consequence: intron variant.
Genome position: GRCh38 VCF-style: chr1-77926618-TTTTG-T. GRCh37 (hg19) VCF-style: chr1-78392303-TTTTG-T.
Other names: c.687+19_687+22delGTTT (NM_144573.4, NM_144573.3); c.495+8TTTG[2] (NM_001172309.2).
Identifiers: ClinVar variation 418383 (VCV000418383.6), dbSNP rs768486390, ClinGen allele CA918705.
Genomic context (GRCh38, chr1:77,926,618, plus strand): 5'-TATGAAGAACAACGACCATCTCTCAAGGAAGCAAAGTGTCTTTCATTAGTTATGGTAAAT[TTTTG>T]TTTGTTTGTTTTCTAAGAAACAAATCAAGGCAGTTTAAGTTAGCAGCATTTTCCTTTATG-3'

ClinVar aggregate classification (germline): Benign/Likely benign. Review status: criteria provided, multiple submitters, no conflicts (2 of 4 stars). 5 submissions from 5 submitters: Benign (2); Likely benign (3). Last evaluated 2026-05-18.

Conditions:
Dilated cardiomyopathy 1CC (CMD1CC). Identifiers: Orphanet 154, MedGen C2751084, MONDO:0013147, OMIM 613122.
Hypertrophic cardiomyopathy 20. Identifiers: MedGen C3151267, MONDO:0013477, OMIM 613876.

Submissions (5):

Women's Health and Genetics/Laboratory Corporation of America, LabCorp
Classification: Benign. Last evaluated: 2026-05-18. Review status: criteria provided, single submitter. Criteria: LabCorp Variant Classification Summary - May 2015. Collection method: clinical testing. Allele origin: germline.

Labcorp Genetics (formerly Invitae), Labcorp
Classification: Benign for Dilated cardiomyopathy 1CC; Hypertrophic cardiomyopathy 20. Last evaluated: 2026-01-10. Review status: criteria provided, single submitter. Criteria: Invitae Variant Classification Sherloc (09022015). Collection method: clinical testing. Allele origin: germline.

Molecular Diagnostic Laboratory for Inherited Cardiovascular Disease, Montreal Heart Institute
Classification: Likely benign. Last evaluated: 2025-04-09. Review status: criteria provided, single submitter. Criteria: ACMG Guidelines, 2015. Collection method: clinical testing. Allele origin: germline. Affected: no.
Comment: BS1

Blueprint Genetics
Classification: Likely benign. Last evaluated: 2023-10-26. Review status: criteria provided, single submitter. Criteria: ACMG Guidelines, 2015. Collection method: clinical testing. Allele origin: germline.

GeneDx
Classification: Likely benign. Last evaluated: 2016-06-27. Review status: criteria provided, single submitter. Criteria: GeneDx Variant Classification (06012015). Collection method: clinical testing. Allele origin: germline. Affected: yes.
Comment: This variant is considered likely benign or benign based on one or more of the following criteria: it is a conservative change, it occurs at a poorly conserved position in the protein, it is predicted to be benign by multiple in silico algorithms, and/or has population frequency not consistent with disease.